The following is an entry in ClinVar:

ClinVar aggregate classification (germline): Uncertain significance. Review status: criteria provided, multiple submitters, no conflicts (2 of 4 stars). 3 submissions from 3 submitters: Uncertain significance (3). Last evaluated 2026-06-16.

Conditions:
PDK3-related disorder. Also called: PDK3-related condition.
Charcot-Marie-Tooth disease X-linked dominant 6. Also called: CHARCOT-MARIE-TOOTH NEUROPATHY, X-LINKED DOMINANT, 6. Identifiers: Orphanet 352675, MedGen C3806702, MONDO:0010479, OMIM 300905.

Allele frequency attached by ClinVar (database versions not stated): gnomAD 0.00001; gnomAD exomes 0.00002 and 0.00004; TOPMed 0.00003; ExAC 0.00001.
gnomAD v4.1: 37 of 1,057,127 alleles (0.0035%); highest among the groups gnomAD compares: Non-Finnish European, 0.0046%; no homozygotes.

Submissions (3):

PreventionGenetics, part of Exact Sciences
Classification: Uncertain significance for PDK3-related condition. Last evaluated: 2026-06-16. Review status: criteria provided, single submitter. Criteria: ACMG Guidelines, 2015. Collection method: clinical testing. Allele origin: germline.
Comment: The PDK3 c.320+6T>C variant is predicted to interfere with splicing. However, the use of computer prediction programs is not equivalent to functional evidence. To our knowledge, this variant has not been reported in the literature. This variant is reported in 0.0062% of alleles in individuals of Latino descent in gnomAD. In gnomAD v4 (available only on GRCh38), this variant is observed in 14 hemizygotes, which may be too frequent to be a primary cause of disease of an X-linked disorder. At this time, the clinical significance of this variant is uncertain due to the absence of conclusive functional and genetic evidence.

Labcorp Genetics (formerly Invitae), Labcorp
Classification: Uncertain significance for Charcot-Marie-Tooth disease X-linked dominant 6. Last evaluated: 2026-01-27. Review status: criteria provided, single submitter. Criteria: Invitae Variant Classification Sherloc (09022015). Collection method: clinical testing. Allele origin: germline.
Comment: This sequence change falls in intron 3 of the PDK3 gene. It does not directly change the encoded amino acid sequence of the PDK3 protein. It affects a nucleotide within the consensus splice site. The frequency data for this variant in the population databases is considered unreliable, as metrics indicate poor data quality at this position in the gnomAD database. This variant has not been reported in the literature in individuals affected with PDK3-related conditions. ClinVar contains an entry for this variant (Variation ID: 425484). Variants that disrupt the consensus splice site are a relatively common cause of aberrant splicing (PMID: 17576681, 9536098). Algorithms developed to predict the effect of sequence changes on RNA splicing suggest that this variant may disrupt the consensus splice site. In summary, the available evidence is currently insufficient to determine the role of this variant in disease. Therefore, it has been classified as a Variant of Uncertain Significance.

CeGaT Center for Human Genetics Tuebingen
Classification: Uncertain significance. Last evaluated: 2018-02-01. Review status: criteria provided, single submitter. Criteria: CeGaT Center For Human Genetics Tuebingen Variant Classification Criteria Version 2. Collection method: clinical testing. Allele origin: germline. Affected: yes. Observed: 2 variant alleles.

Literature cited by the submitters: PubMed 17576681 (cited by Labcorp Genetics (formerly Invitae), Labcorp); PubMed 9536098 (cited by Labcorp Genetics (formerly Invitae), Labcorp).

NM_005391.5(PDK3):c.320+6T>C

Gene: PDK3 (pyruvate dehydrogenase kinase 3; plus strand). Cytogenetic location: Xp22.11.
Variant type: single nucleotide variant.
Coding change: c.320+6T>C on transcript NM_005391.5 (MANE Select); 6 bases into the intron after coding-DNA position 320, T replaced by C.
Molecular consequence: intron variant.
Genome position (GRCh38, 1-based): chrX:24,498,906, T>C. VCF-style: chrX-24498906-T-C. GRCh37 (hg19) VCF-style: chrX-24517023-T-C.
Other names: c.320+6T>C (NM_001142386.3).
Identifiers: ClinVar variation 425484 (VCV000425484.50), dbSNP rs748960946, ClinGen allele CA10372266.